The following is an entry in ClinVar:

ClinVar aggregate classification (germline): Pathogenic (1 of 4 stars; one submission).

Submission:

Labcorp Genetics (formerly Invitae), Labcorp
Classification: Pathogenic. Last evaluated: 2023-04-14. Review status: criteria provided, single submitter. Criteria: Invitae Variant Classification Sherloc (09022015). Collection method: clinical testing. Allele origin: unknown.
Comment: For these reasons, this variant has been classified as Pathogenic. This variant has not been reported in the literature in individuals affected with LRPPRC-related conditions. This variant is a gross deletion of the genomic region encompassing exon(s) 26-27 of the LRPPRC gene. This deletion is out-of-frame, and is expected to create a premature termination codon and result in an absent or disrupted protein product. Loss-of-function variants in LRPPRC are known to be pathogenic (PMID: 26510951).

Literature cited by the submitters: PubMed 26510951.

NC_000002.11:g.(?_44152186)_(44153120_?)del

Gene: LRPPRC (leucine rich pentatricopeptide repeat containing; minus strand). Cytogenetic location: 2p21.
Variant type: Deletion.
Identifiers: ClinVar variation 3247586 (VCV003247586.1).